The following is an entry in ClinVar:

NM_022041.4(GAN):c.838G>A (p.Gly280Arg)

Gene: GAN (gigaxonin; plus strand). Cytogenetic location: 16q23.2.
Variant type: single nucleotide variant.
Coding change: c.838G>A on transcript NM_022041.4 (MANE Select); coding-DNA position 838, G replaced by A.
Protein change: p.Gly280Arg; replaces glycine 280 with arginine.
Molecular consequence: missense variant.
Genome position (GRCh38, 1-based): chr16:81,356,989, G>A. VCF-style: chr16-81356989-G-A. GRCh37 (hg19) VCF-style: chr16-81390594-G-A.
Other names: c.199G>A, p.Gly67Arg (NM_001377486.1); short protein forms G280R, G67R.
Identifiers: ClinVar variation 465400 (VCV000465400.9), dbSNP rs1270020554, ClinGen allele CA396872397.

ClinVar aggregate classification (germline): Uncertain significance (1 of 4 stars; one submission).

Conditions:
Giant axonal neuropathy 1 (GAN1). Also called: GIANT AXONAL NEUROPATHY 1, AUTOSOMAL RECESSIVE; GAN-Related Neurodegeneration. Identifiers: Orphanet 643, MedGen C1850386, MONDO:0009749, OMIM 256850.

Allele frequency attached by ClinVar (database versions not stated): gnomAD exomes below 0.00001; TOPMed 0.00001.
gnomAD v4.1: 1 of 1,602,522 alleles (0.000062%); highest among the groups gnomAD compares: Non-Finnish European, 0.000085%; no homozygotes.

Submission:

Labcorp Genetics (formerly Invitae), Labcorp
Classification: Uncertain significance for Giant axonal neuropathy 1. Last evaluated: 2018-11-27. Review status: criteria provided, single submitter. Criteria: Invitae Variant Classification Sherloc (09022015). Collection method: clinical testing. Allele origin: germline.
Comment: In summary, this variant is a novel missense change with uncertain impact on mRNA splicing and protein function. It has been classified as a Variant of Uncertain Significance. Algorithms developed to predict the effect of sequence changes on RNA splicing suggest that this variant may alter RNA splicing, but this prediction has not been confirmed by published transcriptional studies. Algorithms developed to predict the effect of missense changes on protein structure and function do not agree on the potential impact of this missense change (SIFT: "Deleterious"; PolyPhen-2: "Probably Damaging"; Align-GVGD: "Class C0"). This variant is not present in population databases (ExAC no frequency) and has not been reported in the literature in individuals with a GAN-related disease. This sequence change replaces glycine with arginine at codon 280 of the GAN protein (p.Gly280Arg). The glycine residue is highly conserved and there is a moderate physicochemical difference between glycine and arginine.